The following is an entry in ClinVar:

NM_006922.4(SCN3A):c.5614del (p.Ile1872fs)

Gene: SCN3A (sodium voltage-gated channel alpha subunit 3; minus strand). Cytogenetic location: 2q24.3.
Variant type: Deletion.
Coding change: c.5614del on transcript NM_006922.4 (MANE Select); coding-DNA position 5614, one base deleted (A; older notation c.5614delA).
Protein change: p.Ile1872fs; shifts the reading frame from isoleucine 1872.
Molecular consequence: frameshift variant.
Genome position (GRCh38, 1-based): chr2:165,090,539, T deleted on the plus strand (A on the coding strand, the reverse complement: SCN3A is on the minus strand); the first of 2 consecutive T bases (chr2:165,090,539-165,090,540); deleting either gives the same sequence. VCF-style (leftmost placement, unchanged base first): chr2-165090538-AT-A. GRCh37 (hg19) VCF-style: chr2-165947048-AT-A.
Other names: c.5467del, p.Ile1823fs (NM_001081676.2, NM_001081677.2); short protein forms I1823fs, I1872fs.
Identifiers: ClinVar variation 834173 (VCV000834173.9), dbSNP rs1685040547, ClinGen allele CA916082215.

ClinVar aggregate classification (germline): Uncertain significance (1 of 4 stars; one submission).

Submission:

Labcorp Genetics (formerly Invitae), Labcorp
Classification: Uncertain significance. Last evaluated: 2019-01-19. Review status: criteria provided, single submitter. Criteria: Invitae Variant Classification Sherloc (09022015). Collection method: clinical testing. Allele origin: germline.
Comment: This sequence change results in a premature translational stop signal in the SCN3A gene (p.Ile1872Tyrfs*24). While this is not anticipated to result in nonsense mediated decay, it is expected to disrupt the last 129 amino acids of the SCN3A protein. This variant is not present in population databases (ExAC no frequency). This variant has not been reported in the literature in individuals with SCN3A-related conditions. Experimental studies and prediction algorithms are not available for this variant, and the functional significance of the affected amino acid(s) is currently unknown. In summary, the available evidence is currently insufficient to determine the role of this variant in disease. Therefore, it has been classified as a Variant of Uncertain Significance.